The following is an entry in ClinVar:

ClinVar aggregate classification (germline): Uncertain significance (1 of 4 stars; one submission).

Submission:

Labcorp Genetics (formerly Invitae), Labcorp
Classification: Uncertain significance. Last evaluated: 2023-02-16. Review status: criteria provided, single submitter. Criteria: Invitae Variant Classification Sherloc (09022015). Collection method: clinical testing. Allele origin: germline.
Comment: This variant has not been reported in the literature in individuals affected with FUK-related conditions. Information on the frequency of this variant in the gnomAD database is not available, as this variant may be reported differently in the database. This sequence change falls in intron 10 of the FUK gene. It does not directly change the encoded amino acid sequence of the FUK protein. Experimental studies and prediction algorithms are not available or were not evaluated, and the effect of this variant on mRNA splicing is currently unknown. In summary, the available evidence is currently insufficient to determine the role of this variant in disease. Therefore, it has been classified as a Variant of Uncertain Significance.

NM_145059.3(FCSK):c.955+20_955+21delinsAA

Gene: FCSK (fucose kinase; plus strand). Cytogenetic location: 16q22.1.
Variant type: Indel.
Coding change: c.955+20_955+21delinsAA on transcript NM_145059.3 (MANE Select); bases 20 to 21 of the intron after coding-DNA position 955, TC replaced by AA.
Molecular consequence: intron variant.
Genome position (GRCh38, 1-based): chr16:70,469,343-70,469,344, TC replaced by AA. VCF-style: chr16-70469343-TC-AA. GRCh37 (hg19) VCF-style: chr16-70503246-TC-AA.
Identifiers: ClinVar variation 2975943 (VCV002975943.3), dbSNP rs2507426966, ClinGen allele CA2740093409.
Genomic context (GRCh38, chr16:70,469,343, plus strand): 5'-CCAGCTGTGGAGGGAGCTTCGCGATCAGCCCCTTACCATGGGTGGGTACTGCCTCTCAGC[TC>AA]CCTGGGGTGGGGAGACCATGGGAGTGAGGACCCCAAGAATGGAGCTGCTCACTGCATGCT-3'